The following is an entry in ClinVar:

ClinVar aggregate classification (germline): Uncertain significance (1 of 4 stars; one submission).

Conditions:
Hereditary nonpolyposis colorectal neoplasms. Identifiers: MedGen C0009405, MeSH D003123.

Allele frequency attached by ClinVar (database versions not stated): gnomAD exomes below 0.00001.
gnomAD v4.1: 2 of 1,614,046 alleles (0.00012%); highest among the groups gnomAD compares: Non-Finnish European, 0.00017%; no homozygotes.

Submission:

Labcorp Genetics (formerly Invitae), Labcorp
Classification: Uncertain significance for Hereditary nonpolyposis colorectal neoplasms. Last evaluated: 2025-08-30. Review status: criteria provided, single submitter. Criteria: Invitae Variant Classification Sherloc (09022015). Collection method: clinical testing. Allele origin: germline.
Comment: This sequence change replaces tyrosine, which is neutral and polar, with cysteine, which is neutral and slightly polar, at codon 151 of the MSH6 protein (p.Tyr151Cys). This variant is not present in population databases (gnomAD no frequency). This variant has not been reported in the literature in individuals affected with MSH6-related conditions. ClinVar contains an entry for this variant (Variation ID: 2852303). Invitae Evidence Modeling of protein sequence and biophysical properties (such as structural, functional, and spatial information, amino acid conservation, physicochemical variation, residue mobility, and thermodynamic stability) has been performed for this missense variant. However, the output from this modeling did not meet the statistical confidence thresholds required to predict the impact of this variant on MSH6 protein function. In summary, the available evidence is currently insufficient to determine the role of this variant in disease. Therefore, it has been classified as a Variant of Uncertain Significance.

NM_000179.3(MSH6):c.452A>G (p.Tyr151Cys)

Gene: MSH6 (mutS homolog 6; plus strand). Cytogenetic location: 2p16.3.
Variant type: single nucleotide variant.
Coding change: c.452A>G on transcript NM_000179.3 (MANE Select); coding-DNA position 452, A replaced by G.
Protein change: p.Tyr151Cys; replaces tyrosine 151 with cysteine.
Molecular consequence: missense variant. On other transcripts: 5 prime UTR variant (7), non-coding transcript variant (5), intron variant (6).
Genome position (GRCh38, 1-based): chr2:47,791,118, A>G. VCF-style: chr2-47791118-A-G. GRCh37 (hg19) VCF-style: chr2-48018257-A-G.
Other names: c.-285A>G (NM_001281493.2, NM_001406811.1, NM_001406823.1 and 1 more transcripts); c.-451A>G (NM_001281494.2); c.548A>G, p.Tyr183Cys (NM_001406795.1, NM_001406802.1); c.452A>G, p.Tyr151Cys (NM_001406796.1, NM_001406798.1, NM_001406800.1 and 6 more transcripts); c.155A>G, p.Tyr52Cys (NM_001406797.1, NM_001406801.1, NM_001406805.1 and 10 more transcripts); c.374A>G, p.Tyr125Cys (NM_001406804.1); c.-477A>G (NM_001406807.1); c.-543A>G (NM_001406814.1); and 5 more; short protein forms Y125C, Y183C, Y151C, Y52C, Y95C.
Identifiers: ClinVar variation 2852303 (VCV002852303.3), dbSNP rs876659649, ClinGen allele CA346737201.